The following is an entry in ClinVar:

NM_001999.4(FBN2):c.212C>G (p.Ala71Gly)

Gene: FBN2 (fibrillin 2; minus strand). Cytogenetic location: 5q23.3.
Variant type: single nucleotide variant.
Coding change: c.212C>G on transcript NM_001999.4 (MANE Select); coding-DNA position 212, C replaced by G.
Protein change: p.Ala71Gly; replaces alanine 71 with glycine.
Molecular consequence: missense variant.
Genome position (GRCh38, 1-based): chr5:128,537,392, G>C on the plus strand (C>G on the coding strand, the complement: FBN2 is on the minus strand). VCF-style: chr5-128537392-G-C. GRCh37 (hg19) VCF-style: chr5-127873085-G-C.
Other names: short protein forms A71G.
Identifiers: ClinVar variation 2839004 (VCV002839004.3), dbSNP rs2479827501, ClinGen allele CA360762025.
Genomic context (GRCh38, chr5:128,537,392, plus strand): 5'-AGCCGCTTGCCCACTTACCCTCGGAGCACGTCCTGCTGTCCTCGCCGGCGGACGCGGCTG[G>C]CCACTGCGGCACCCTCCTCGCGATACTCGGGCGCTAGAAACCCGCCTTCAGAGCCTGCTG-3'
Protein context (NP_001990.2, residues 61-81): PEYREEGAAV[Ala71Gly]SRVRRRGQQD

ClinVar aggregate classification (germline): Uncertain significance (1 of 4 stars; one submission).

Conditions:
Congenital contractural arachnodactyly (CCA). Also called: Beals-Hecht syndrome; BEALS SYNDROME; Arthrogryposis, distal, type 9. Identifiers: Orphanet 115, MedGen C0220668, MONDO:0007363, OMIM 121050.

Allele frequency attached by ClinVar (database versions not stated): gnomAD exomes below 0.00001.
gnomAD v4.1: 1 of 1,610,426 alleles (0.000062%); highest among the groups gnomAD compares: Non-Finnish European, 0.000085%; no homozygotes.

Submission:

Labcorp Genetics (formerly Invitae), Labcorp
Classification: Uncertain significance for Congenital contractural arachnodactyly. Last evaluated: 2023-11-14. Review status: criteria provided, single submitter. Criteria: Invitae Variant Classification Sherloc (09022015). Collection method: clinical testing. Allele origin: germline.
Comment: This sequence change replaces alanine, which is neutral and non-polar, with glycine, which is neutral and non-polar, at codon 71 of the FBN2 protein (p.Ala71Gly). This variant is not present in population databases (gnomAD no frequency). This variant has not been reported in the literature in individuals affected with FBN2-related conditions. Advanced modeling of protein sequence and biophysical properties (such as structural, functional, and spatial information, amino acid conservation, physicochemical variation, residue mobility, and thermodynamic stability) performed at Invitae indicates that this missense variant is not expected to disrupt FBN2 protein function with a negative predictive value of 80%. In summary, the available evidence is currently insufficient to determine the role of this variant in disease. Therefore, it has been classified as a Variant of Uncertain Significance.